The following is an entry in ClinVar:

NM_000094.4(COL7A1):c.5235+1G>C

Gene: COL7A1 (collagen type VII alpha 1 chain; minus strand). Cytogenetic location: 3p21.31.
Variant type: single nucleotide variant.
Coding change: c.5235+1G>C on transcript NM_000094.4 (MANE Select); the canonical splice donor site of the intron after coding-DNA position 5235, G replaced by C.
Molecular consequence: splice donor variant.
Genome position (GRCh38, 1-based): chr3:48,579,587, C>G on the plus strand (G>C on the coding strand, the complement: COL7A1 is on the minus strand). VCF-style: chr3-48579587-C-G. GRCh37 (hg19) VCF-style: chr3-48617020-C-G.
Identifiers: ClinVar variation 2792332 (VCV002792332.3), dbSNP rs2531062985, ClinGen allele CA352677035.

ClinVar aggregate classification (germline): Likely pathogenic (1 of 4 stars; one submission).

Submission:

Labcorp Genetics (formerly Invitae), Labcorp
Classification: Likely pathogenic. Last evaluated: 2024-03-21. Review status: criteria provided, single submitter. Criteria: Invitae Variant Classification Sherloc (09022015). Collection method: clinical testing. Allele origin: germline.
Comment: This sequence change affects a donor splice site in intron 58 of the COL7A1 gene. It is expected to disrupt splicing. Variants that disrupt the donor or acceptor splice site typically lead to a loss of protein function (PMID: 16199547), and loss-of-function variants in COL7A1 are known to be disease-causing for autosomal recessive dystrophic epidermolysis bullosa (PMID: 16971478). However, certain variants affecting donor or acceptor splice sites in the triple helical domain of COL7A1 are expected to result in in-frame exon skipping and have been reported to cause autosomal dominant dystrophic epidermolysis bullosa (PMID: 31670143). This variant is not present in population databases (gnomAD no frequency). This variant has not been reported in the literature in individuals affected with COL7A1-related conditions. Algorithms developed to predict the effect of sequence changes on RNA splicing suggest that this variant may disrupt the consensus splice site. In summary, the currently available evidence indicates that the variant is pathogenic, but additional data are needed to prove that conclusively. Therefore, this variant has been classified as Likely Pathogenic.

Literature cited by the submitters: PubMed 16199547; PubMed 16971478; PubMed 31670143.